The following is an entry in ClinVar:

NC_000012.11:g.(?_133202221)_(133202366_?)del

Gene: POLE (DNA polymerase epsilon, catalytic subunit; minus strand). Cytogenetic location: 12q24.33.
Variant type: Deletion.
Identifiers: ClinVar variation 3244393 (VCV003244393.1).

ClinVar aggregate classification (germline): Uncertain significance (1 of 4 stars; one submission).

Submission:

Labcorp Genetics (formerly Invitae), Labcorp
Classification: Uncertain significance. Last evaluated: 2023-10-04. Review status: criteria provided, single submitter. Criteria: Invitae Variant Classification Sherloc (09022015). Collection method: clinical testing. Allele origin: unknown.
Comment: This variant is a gross deletion of the genomic region encompassing exon(s) 47 of the POLE gene. This variant would be expected to be in-frame, preserving the integrity of the reading frame. This variant has not been reported in the literature in individuals affected with POLE-related conditions. Experimental studies and prediction algorithms are not available or were not evaluated, and the functional significance of this variant is currently unknown. In summary, the available evidence is currently insufficient to determine the role of this variant in disease. Therefore, it has been classified as a Variant of Uncertain Significance.